The following is an entry in ClinVar:

ClinVar aggregate classification (germline): Likely benign. Review status: criteria provided, multiple submitters, no conflicts (2 of 4 stars). 3 submissions from 3 submitters: Likely benign (2). 1 of the submissions does not count toward it. Last evaluated 2025-06-30.

Conditions:
SNX10-related disorder. Also called: SNX10-related condition.

Allele frequency attached by ClinVar (database versions not stated): ExAC 0.00003; gnomAD exomes 0.00003; gnomAD 0.00004; TOPMed 0.00004; ESP Exome Variant Server 0.00008.
gnomAD v4.1: 83 of 1,613,904 alleles (0.0051%); highest among the groups gnomAD compares: African/African-American, 0.0067%; no homozygotes.

Submissions (3):

Labcorp Genetics (formerly Invitae), Labcorp
Classification: Likely benign. Last evaluated: 2025-06-30. Review status: criteria provided, single submitter. Criteria: Invitae Variant Classification Sherloc (09022015). Collection method: clinical testing. Allele origin: germline.

CeGaT Center for Human Genetics Tuebingen
Classification: Likely benign. Last evaluated: 2022-10-01. Review status: criteria provided, single submitter. Criteria: CeGaT Center For Human Genetics Tuebingen Variant Classification Criteria Version 2. Collection method: clinical testing. Allele origin: germline. Affected: yes. Observed: 1 variant allele.
Comment: SNX10: BP4, BP7

PreventionGenetics, part of Exact Sciences
Classification: Likely benign for SNX10-related condition. Last evaluated: 2019-11-16. Review status: no assertion criteria provided. Collection method: clinical testing. Allele origin: germline. Not counted in ClinVar's aggregate classification.
Comment: This variant is classified as likely benign based on ACMG/AMP sequence variant interpretation guidelines (Richards et al. 2015 PMID: 25741868, with internal and published modifications).

NM_013322.3(SNX10):c.162T>C (p.Tyr54=)

Gene: SNX10 (sorting nexin 10; plus strand). Cytogenetic location: 7p15.2.
Variant type: single nucleotide variant.
Coding change: c.162T>C on transcript NM_013322.3 (MANE Select); coding-DNA position 162, T replaced by C.
Protein change: p.Tyr54=; no amino-acid change (tyrosine 54 retained).
Molecular consequence: synonymous variant. On other transcripts: intron variant (1).
Genome position (GRCh38, 1-based): chr7:26,364,585, T>C. VCF-style: chr7-26364585-T-C. GRCh37 (hg19) VCF-style: chr7-26404205-T-C.
Other names: c.162T>C, p.Tyr54= (NM_001199835.1, NM_001318199.3); c.153T>C, p.Tyr51= (NM_001199837.3); c.240T>C, p.Tyr80= (NM_001318198.1, NM_001362753.1, NM_001362754.1); c.-41+83T>C (NM_001199838.2).
Identifiers: ClinVar variation 1597143 (VCV001597143.33), dbSNP rs377321694, ClinGen allele CA4195190.